The following is an entry in ClinVar:

ClinVar aggregate classification (germline): Pathogenic (1 of 4 stars; one submission).

Conditions:
Jeune thoracic dystrophy. Also called: Jeune syndrome; Infantile thoracic dystrophy; Thoracic pelvic phalangeal dystrophy; Jeune's syndrome; Chondroectodermal dysplasia-like syndrome; Short-rib thoracic dysplasia. Identifiers: Orphanet 474, MedGen C0265275, MONDO:0018770.

Submission:

Labcorp Genetics (formerly Invitae), Labcorp
Classification: Pathogenic for Jeune thoracic dystrophy. Last evaluated: 2023-04-27. Review status: criteria provided, single submitter. Criteria: Invitae Variant Classification Sherloc (09022015). Collection method: clinical testing. Allele origin: germline.
Comment: This variant has not been reported in the literature in individuals affected with DYNC2H1-related conditions. For these reasons, this variant has been classified as Pathogenic. This variant is not present in population databases (gnomAD no frequency). This sequence change creates a premature translational stop signal (p.Gln3620*) in the DYNC2H1 gene. It is expected to result in an absent or disrupted protein product. Loss-of-function variants in DYNC2H1 are known to be pathogenic (PMID: 23339108, 32753734).

Literature cited by the submitters: PubMed 23339108; PubMed 32753734.

NM_001377.3(DYNC2H1):c.10837C>T (p.Gln3613Ter)

Gene: DYNC2H1 (dynein cytoplasmic 2 heavy chain 1; plus strand). Cytogenetic location: 11q22.3.
Variant type: single nucleotide variant.
Coding change: c.10837C>T on transcript NM_001377.3 (MANE Select); coding-DNA position 10837, C replaced by T.
Protein change: p.Gln3613Ter; replaces glutamine 3613 with a stop codon.
Molecular consequence: nonsense.
Genome position (GRCh38, 1-based): chr11:103,283,032, C>T. VCF-style: chr11-103283032-C-T. GRCh37 (hg19) VCF-style: chr11-103153761-C-T.
Other names: c.10858C>T, p.Gln3620Ter (NM_001080463.2); short protein forms Q3613*, Q3620*.
Identifiers: ClinVar variation 2776474 (VCV002776474.3), dbSNP rs2496768592, ClinGen allele CA382256760.
Genomic context (GRCh38, chr11:103,283,032, plus strand): 5'-CAAGTATACTAAGGAAAATAATTGCTTTTATTAAAGGACTCTCAACAAAAAATACGTGAT[C>T]AGCTTCCGTCTTGGATAGATCAGGAACGAAGCTGGGCCGTGGCAACATTAAAGGTATTCC-3'